The following is an entry in ClinVar:

ClinVar aggregate classification (germline): Uncertain significance (1 of 4 stars; one submission).

Conditions:
Predisposition to invasive fungal disease due to CARD9 deficiency (IMD103). Also called: Candidiasis, familial, 2, autosomal recessive; CARD9 IMMUNODEFICIENCY; IMMUNODEFICIENCY 103, SUSCEPTIBILITY TO FUNGAL INFECTIONS. Identifiers: Orphanet 457088, MedGen C1859353, MONDO:0008905, OMIM 212050.

Allele frequency attached by ClinVar (database versions not stated): ExAC 0.00001; gnomAD exomes 0.00001; TOPMed 0.00002.
gnomAD v4.1: 12 of 1,600,356 alleles (0.00075%); highest among the groups gnomAD compares: Non-Finnish European, 0.00093%; no homozygotes.

Submission:

Labcorp Genetics (formerly Invitae), Labcorp
Classification: Uncertain significance for Predisposition to invasive fungal disease due to CARD9 deficiency. Last evaluated: 2024-10-29. Review status: criteria provided, single submitter. Criteria: Invitae Variant Classification Sherloc (09022015). Collection method: clinical testing. Allele origin: germline.
Comment: This sequence change replaces threonine, which is neutral and polar, with methionine, which is neutral and non-polar, at codon 363 of the CARD9 protein (p.Thr363Met). This variant is present in population databases (rs757745178, gnomAD 0.002%). This variant has not been reported in the literature in individuals affected with CARD9-related conditions. ClinVar contains an entry for this variant (Variation ID: 2876386). Invitae Evidence Modeling of protein sequence and biophysical properties (such as structural, functional, and spatial information, amino acid conservation, physicochemical variation, residue mobility, and thermodynamic stability) indicates that this missense variant is not expected to disrupt CARD9 protein function with a negative predictive value of 80%. In summary, the available evidence is currently insufficient to determine the role of this variant in disease. Therefore, it has been classified as a Variant of Uncertain Significance.

NM_052813.5(CARD9):c.1088C>T (p.Thr363Met)

Gene: CARD9 (caspase recruitment domain family member 9; minus strand). Cytogenetic location: 9q34.3.
Variant type: single nucleotide variant.
Coding change: c.1088C>T on transcript NM_052813.5 (MANE Select); coding-DNA position 1088, C replaced by T.
Protein change: p.Thr363Met; replaces threonine 363 with methionine.
Molecular consequence: missense variant.
Genome position (GRCh38, 1-based): chr9:136,367,818, G>A on the plus strand (C>T on the coding strand, the complement: CARD9 is on the minus strand). VCF-style: chr9-136367818-G-A. GRCh37 (hg19) VCF-style: chr9-139262270-G-A.
Other names: c.1088C>T, p.Thr363Met (NM_052814.4); short protein forms T363M.
Identifiers: ClinVar variation 2876386 (VCV002876386.3), dbSNP rs757745178, ClinGen allele CA5332835.